The following is an entry in ClinVar:

ClinVar aggregate classification (germline): Uncertain significance. Review status: criteria provided, multiple submitters, no conflicts (2 of 4 stars). 2 submissions from 2 submitters: Uncertain significance (2). Last evaluated 2024-04-25.

Conditions:
Malignant hyperthermia, susceptibility to, 5 (MHS5). Also called: CACNA1S-Related Malignant Hyperthermia Susceptibility. Identifiers: Orphanet 423, MedGen C1866077, MONDO:0011163, OMIM 601887.

Submissions (2):

All of Us Research Program, National Institutes of Health
Classification: Uncertain significance for Malignant hyperthermia, susceptibility to, 5. Last evaluated: 2024-04-25. Review status: criteria provided, single submitter. Criteria: ACMG Guidelines, 2015. Collection method: clinical testing. Allele origin: germline. Inheritance: Autosomal dominant inheritance. Observed: 1 variant allele, 1 heterozygote.
Comment: This missense variant replaces phenylalanine with leucine at codon 567 of the CACNA1S protein. Computational prediction suggests that this variant may have deleterious impact on protein structure and function (internally defined REVEL score threshold >= 0.7, PMID: 27666373). To our knowledge, functional studies have not been reported for this variant. This variant has not been reported in individuals affected with CACNA1S-related disorders in the literature. This variant has not been identified in the general population by the Genome Aggregation Database (gnomAD). The available evidence is insufficient to determine the role of this variant in disease conclusively. Therefore, this variant is classified as a Variant of Uncertain Significance.

This study involves interpretation of variants in research participants for the purpose of population health screening. Participant phenotype was not available at the time of variant classification. Additional details can be found in publication PMID: 35346344, PMCID: PMC8962531

Color Diagnostics, LLC DBA Color Health
Classification: Uncertain significance for Malignant hyperthermia, susceptibility to, 5. Last evaluated: 2024-02-13. Review status: criteria provided, single submitter. Criteria: ACMG Guidelines, 2015. Collection method: clinical testing. Allele origin: germline.
Comment: This missense variant replaces phenylalanine with leucine at codon 567 of the CACNA1S protein. Computational prediction suggests that this variant may have deleterious impact on protein structure and function (internally defined REVEL score threshold >= 0.7, PMID: 27666373). To our knowledge, functional studies have not been reported for this variant. This variant has not been reported in individuals affected with CACNA1S-related disorders in the literature. This variant has not been identified in the general population by the Genome Aggregation Database (gnomAD). The available evidence is insufficient to determine the role of this variant in disease conclusively. Therefore, this variant is classified as a Variant of Uncertain Significance.

NM_000069.3(CACNA1S):c.1701C>A (p.Phe567Leu)

Gene: CACNA1S (calcium voltage-gated channel subunit alpha1 S; minus strand). Cytogenetic location: 1q32.1.
Variant type: single nucleotide variant.
Coding change: c.1701C>A on transcript NM_000069.3 (MANE Select); coding-DNA position 1701, C replaced by A.
Protein change: p.Phe567Leu; replaces phenylalanine 567 with leucine.
Molecular consequence: missense variant.
Genome position (GRCh38, 1-based): chr1:201,077,046, G>T on the plus strand (C>A on the coding strand, the complement: CACNA1S is on the minus strand). VCF-style: chr1-201077046-G-T. GRCh37 (hg19) VCF-style: chr1-201046174-G-T.
Other names: short protein forms F567L.
Identifiers: ClinVar variation 3386377 (VCV003386377.2).